The following is an entry in ClinVar:

ClinVar aggregate classification (germline): Uncertain significance. Review status: criteria provided, multiple submitters, no conflicts (2 of 4 stars). 3 submissions from 3 submitters: Uncertain significance (3). Last evaluated 2025-04-21.

Conditions:
Ehlers-Danlos syndrome, type 4 (EDSVASC). Also called: Ehlers-Danlos Syndrome Type IV; Ehlers-Danlos syndrome vascular type; Ehlers Danlos syndrome, ecchymotic type; Ehlers Danlos syndrome, arterial type; Ehlers Danlos syndrome, Sack-Barabas type. Identifiers: Orphanet 286, MedGen C0268338, MONDO:0017314, OMIM 130050.
Familial thoracic aortic aneurysm and aortic dissection (TAAD). Also called: Thoracic aortic aneurysms and dissections. Identifiers: Orphanet 91387, MedGen C4707243, MONDO:0019625.

Allele frequency attached by ClinVar (database versions not stated): gnomAD exomes below 0.00001.
gnomAD v4.1: 1 of 1,614,166 alleles (0.000062%); highest among the groups gnomAD compares: Non-Finnish European, 0.000085%; no homozygotes.

Submissions (3):

Color Diagnostics, LLC DBA Color Health
Classification: Uncertain significance for Familial thoracic aortic aneurysm and aortic dissection. Last evaluated: 2025-04-21. Review status: criteria provided, single submitter. Criteria: ACMG Guidelines, 2015. Collection method: clinical testing. Allele origin: germline.
Comment: This missense variant replaces glycine with serine at codon 1210 of the COL3A1 protein. Computational prediction suggests that this variant may not impact protein structure and function. To our knowledge, functional studies have not been reported for this variant. This variant has been reported in an individual affected with Marfan syndrome (PMID: 38958168). This variant has been identified in 1/251400 chromosomes in the general population by the Genome Aggregation Database (gnomAD). The available evidence is insufficient to determine the role of this variant in disease conclusively. Therefore, this variant is classified as a Variant of Uncertain Significance.

GeneDx
Classification: Uncertain significance. Last evaluated: 2024-11-18. Review status: criteria provided, single submitter. Criteria: GeneDx Variant Classification Process June 2021. Collection method: clinical testing. Allele origin: germline. Affected: yes.
Comment: Not observed at significant frequency in large population cohorts (gnomAD); In silico analysis supports that this missense variant has a deleterious effect on protein structure/function; Not located in the triple helical region, where the majority of pathogenic missense variants occur (HGMD); Has not been previously published as pathogenic or benign to our knowledge

Labcorp Genetics (formerly Invitae), Labcorp
Classification: Uncertain significance for Ehlers-Danlos syndrome, type 4. Last evaluated: 2024-06-24. Review status: criteria provided, single submitter. Criteria: Invitae Variant Classification Sherloc (09022015). Collection method: clinical testing. Allele origin: germline.
Comment: This sequence change replaces glycine, which is neutral and non-polar, with serine, which is neutral and polar, at codon 1210 of the COL3A1 protein (p.Gly1210Ser). This variant is present in population databases (no rsID available, gnomAD 0.0009%). This variant has not been reported in the literature in individuals affected with COL3A1-related conditions. Advanced modeling of protein sequence and biophysical properties (such as structural, functional, and spatial information, amino acid conservation, physicochemical variation, residue mobility, and thermodynamic stability) performed at Invitae indicates that this missense variant is not expected to disrupt COL3A1 protein function with a negative predictive value of 95%. In summary, the available evidence is currently insufficient to determine the role of this variant in disease. Therefore, it has been classified as a Variant of Uncertain Significance.

Literature cited by the submitters: PubMed 38958168 (cited by Color Diagnostics, LLC DBA Color Health).

NM_000090.4(COL3A1):c.3628G>A (p.Gly1210Ser)

Gene: COL3A1 (collagen type III alpha 1 chain; plus strand). Cytogenetic location: 2q32.2.
Variant type: single nucleotide variant.
Coding change: c.3628G>A on transcript NM_000090.4 (MANE Select); coding-DNA position 3628, G replaced by A.
Protein change: p.Gly1210Ser; replaces glycine 1210 with serine.
Molecular consequence: missense variant.
Genome position (GRCh38, 1-based): chr2:189,009,026, G>A. VCF-style: chr2-189009026-G-A. GRCh37 (hg19) VCF-style: chr2-189873752-G-A.
Other names: short protein forms G1210S.
Identifiers: ClinVar variation 2775156 (VCV002775156.5), dbSNP rs1409001837, ClinGen allele CA349846764.